The following continues an entry in ClinVar:

NM_000059.4(BRCA2):c.8331+1G>A

Gene: BRCA2. ClinVar aggregate classification (germline): Pathogenic/Likely pathogenic. Pathogenic (8); Likely pathogenic (4).

Submissions 10 to 14 of 14:

GeneDx
Classification: Pathogenic. Last evaluated: 2018-07-26. Review status: criteria provided, single submitter. Criteria: GeneDx Variant Classification (06012015). Collection method: clinical testing. Allele origin: germline. Affected: yes.
Comment: This pathogenic variant is denoted BRCA2 IVS18+1G>A or c.8331+1G>A and consists of a G>A nucleotide substitution at the +1 position of intron 18 of the BRCA2 gene. The variant destroys a canonical splice donor site and is predicted to cause abnormal gene splicing, leading to either an abnormal message that is subject to nonsense-mediated mRNA decay or to an abnormal protein product. This variant has been observed in men and women with breast cancer (Zhang 2012, Pritzlaff 2017). Based on the current evidence, we consider this variant to be pathogenic.

Consortium of Investigators of Modifiers of BRCA1/2 (CIMBA), c/o University of Cambridge
Classification: Pathogenic for Breast-ovarian cancer, familial, susceptibility to, 2. Last evaluated: 2015-10-02. Review status: criteria provided, single submitter. Criteria: CIMBA Mutation Classification guidelines May 2016. Collection method: clinical testing. Allele origin: germline.

Juno Genomics, Hangzhou Juno Genomics, Inc
Classification: Likely pathogenic for Wilms tumor 1; Familial cancer of breast; Breast-ovarian cancer, familial, susceptibility to, 2; Glioma susceptibility 3; Medulloblastoma; Pancreatic cancer, susceptibility to, 2; Familial prostate cancer; Fanconi anemia complementation group D1. Review status: criteria provided, single submitter. Criteria: ACMG Guidelines, 2015. Collection method: clinical testing. Allele origin: germline.
Comment: Null variant in a gene where loss of function (LOF) is a known mechanism of disease.;Absent from controls (or at extremely low frequency if recessive) in Genome Aggregation Database.;The prevalence of the variant in affected individuals is significantly increased compared to the prevalence in controls.

Sharing Clinical Reports Project (SCRP)
Classification: Pathogenic for Breast-ovarian cancer, familial 2. Last evaluated: 2013-01-07. Review status: no assertion criteria provided. Collection method: clinical testing. Allele origin: germline. Not counted in ClinVar's aggregate classification.

Center for Precision Medicine, Meizhou People's Hospital
Classification: Likely pathogenic for Familial cancer of breast. Review status: no assertion criteria provided. Collection method: literature only. Allele origin: germline. Affected: yes. Not counted in ClinVar's aggregate classification.

Literature cited by the submitters: PubMed 21614564 (cited by 7 submitters); PubMed 28008555 (cited by 4 submitters); PubMed 29446198 (cited by Color Diagnostics, LLC DBA Color Health and Quest Diagnostics Nichols Institute San Juan Capistrano); PubMed 29752822 (cited by Color Diagnostics, LLC DBA Color Health and Quest Diagnostics Nichols Institute San Juan Capistrano); PubMed 30832263 (cited by 3 submitters); PubMed 31131967 (cited by Color Diagnostics, LLC DBA Color Health); PubMed 31853058 (cited by Color Diagnostics, LLC DBA Color Health); PubMed 38167124 (cited by Color Diagnostics, LLC DBA Color Health and Quest Diagnostics Nichols Institute San Juan Capistrano); PubMed 39779848 (cited by Color Diagnostics, LLC DBA Color Health); PubMed 39779857 (cited by Color Diagnostics, LLC DBA Color Health); PubMed 40413188 (cited by Color Diagnostics, LLC DBA Color Health); PubMed 28339459 (cited by 3 submitters); PubMed 16199547 (cited by Labcorp Genetics (formerly Invitae), Labcorp); PubMed 20104584 (cited by Labcorp Genetics (formerly Invitae), Labcorp); PubMed 26681312 (cited by 3 submitters); PubMed 35918668 (cited by Quest Diagnostics Nichols Institute San Juan Capistrano); PubMed 31937788 (cited by Quest Diagnostics Nichols Institute San Juan Capistrano); PubMed 31825140 (cited by Quest Diagnostics Nichols Institute San Juan Capistrano); PubMed 36367610 (cited by Quest Diagnostics Nichols Institute San Juan Capistrano).